The following is an entry in ClinVar:

ClinVar aggregate classification (germline): Pathogenic. Review status: criteria provided, multiple submitters, no conflicts (2 of 4 stars). 3 submissions from 3 submitters: Pathogenic (3). Last evaluated 2024-10-10.

Conditions:
Hereditary cancer-predisposing syndrome. Also called: Tumor predisposition; Neoplastic Syndromes, Hereditary; Hereditary neoplastic syndrome; Hereditary Cancer Syndrome. Identifiers: Orphanet 140162, MedGen C0027672, MeSH D009386, MONDO:0015356.
Familial cancer of breast. Also called: Hereditary breast cancer; hereditary breast carcinoma; BREAST CANCER, FAMILIAL. Identifiers: Orphanet 227535, MedGen C0346153, MONDO:0016419, OMIM 114480. Disease mechanism: loss of function.
Ataxia-telangiectasia syndrome (AT). Also called: Ataxia-telangiectasia, complementation group D; AT, COMPLEMENTATION GROUP C; ATAXIA-TELANGIECTASIA, COMPLEMENTATION GROUP A; ATAXIA-TELANGIECTASIA, FRESNO VARIANT; Ataxia-telangiectasia; Ataxia telangiectasia (A-T). Identifiers: Orphanet 100, MedGen C0004135, MONDO:0008840, OMIM 208900.

Submissions (3):

Labcorp Genetics (formerly Invitae), Labcorp
Classification: Pathogenic for Ataxia-telangiectasia syndrome. Last evaluated: 2024-10-10. Review status: criteria provided, single submitter. Criteria: Invitae Variant Classification Sherloc (09022015). Collection method: clinical testing. Allele origin: germline.
Comment: This sequence change creates a premature translational stop signal (p.Thr2682Aspfs*6) in the ATM gene. It is expected to result in an absent or disrupted protein product. Loss-of-function variants in ATM are known to be pathogenic (PMID: 23807571, 25614872). This variant is not present in population databases (gnomAD no frequency). This variant has not been reported in the literature in individuals affected with ATM-related conditions. ClinVar contains an entry for this variant (Variation ID: 966891). For these reasons, this variant has been classified as Pathogenic.

Myriad Genetics, Inc.
Classification: Pathogenic for Familial cancer of breast. Last evaluated: 2024-02-01. Review status: criteria provided, single submitter. Criteria: Myriad Autosomal Dominant, Autosomal Recessive and X-Linked Classification Criteria (2023). Collection method: clinical testing. Allele origin: unknown.
Comment: This variant is considered pathogenic. This variant creates a frameshift predicted to result in premature protein truncation.

Ambry Genetics
Classification: Pathogenic for Hereditary cancer-predisposing syndrome. Last evaluated: 2020-09-09. Review status: criteria provided, single submitter. Criteria: Ambry Variant Classification Scheme 2023. Collection method: clinical testing. Allele origin: germline.
Comment: The c.8043dupG pathogenic mutation, located in coding exon 54 of the ATM gene, results from a duplication of G at nucleotide position 8043, causing a translational frameshift with a predicted alternate stop codon (p.T2682Dfs*6). This alteration is expected to result in loss of function by premature protein truncation or nonsense-mediated mRNA decay. As such, this alteration is interpreted as a disease-causing mutation.

Literature cited by the submitters: PubMed 23807571 (cited by Labcorp Genetics (formerly Invitae), Labcorp); PubMed 25614872 (cited by Labcorp Genetics (formerly Invitae), Labcorp).

NM_000051.4(ATM):c.8043dup (p.Thr2682fs)

Genes: ATM (ATM serine/threonine kinase; plus strand), C11orf65 (chromosome 11 open reading frame 65; minus strand). Cytogenetic location: 11q22.3.
Variant type: Duplication.
Coding change: c.8043dup on transcript NM_000051.4 (MANE Select); coding-DNA position 8043, one base duplicated (G; older notation c.8043dupG).
Protein change: p.Thr2682fs; shifts the reading frame from threonine 2682.
Molecular consequence: frameshift variant. On other transcripts: intron variant (2).
Genome position (GRCh38, 1-based): chr11:108,335,001, G duplicated. VCF-style (leftmost placement, unchanged base first): chr11-108335000-T-TG. GRCh37 (hg19) VCF-style: chr11-108205727-T-TG.
Other names: c.8043dupG (NM_000051.3); c.8043dup, p.Thr2682fs (NM_001351834.2); c.641-25930dup (NM_001330368.2); c.*38+219dup (NM_001351110.2); short protein forms T2682fs.
Identifiers: ClinVar variation 966891 (VCV000966891.11), dbSNP rs2086672570, ClinGen allele CA1139662189.